The following is an entry in ClinVar:

NM_003079.5(SMARCE1):c.1037A>G (p.His346Arg)

Gene: SMARCE1 (SWI/SNF related BAF chromatin remodeling complex subunit E1; minus strand). Cytogenetic location: 17q21.2.
Variant type: single nucleotide variant.
Coding change: c.1037A>G on transcript NM_003079.5 (MANE Select); coding-DNA position 1037, A replaced by G.
Protein change: p.His346Arg; replaces histidine 346 with arginine.
Molecular consequence: missense variant.
Genome position (GRCh38, 1-based): chr17:40,628,984, T>C on the plus strand (A>G on the coding strand, the complement: SMARCE1 is on the minus strand). VCF-style: chr17-40628984-T-C. GRCh37 (hg19) VCF-style: chr17-38785236-T-C.
Other names: short protein forms H346R.
Identifiers: ClinVar variation 1717782 (VCV001717782.5), dbSNP rs2508592916, ClinGen allele CA399361818.

ClinVar aggregate classification (germline): Uncertain significance (1 of 4 stars; one submission).

Conditions:
Familial meningioma. Also called: Meningioma, familial, susceptibility to. Identifiers: Orphanet 263662, MedGen C3551915, MONDO:0011789, OMIM 607174.

Submission:

Labcorp Genetics (formerly Invitae), Labcorp
Classification: Uncertain significance for Familial meningioma. Last evaluated: 2025-02-16. Review status: criteria provided, single submitter. Criteria: Invitae Variant Classification Sherloc (09022015). Collection method: clinical testing. Allele origin: germline.
Comment: This sequence change replaces histidine, which is basic and polar, with arginine, which is basic and polar, at codon 346 of the SMARCE1 protein (p.His346Arg). This variant is not present in population databases (gnomAD no frequency). This variant has not been reported in the literature in individuals affected with SMARCE1-related conditions. ClinVar contains an entry for this variant (Variation ID: 1717782). Invitae Evidence Modeling of protein sequence and biophysical properties (such as structural, functional, and spatial information, amino acid conservation, physicochemical variation, residue mobility, and thermodynamic stability) indicates that this missense variant is not expected to disrupt SMARCE1 protein function with a negative predictive value of 80%. In summary, the available evidence is currently insufficient to determine the role of this variant in disease. Therefore, it has been classified as a Variant of Uncertain Significance.